The following is an entry in ClinVar:

ClinVar aggregate classification (germline): Pathogenic. Review status: criteria provided, multiple submitters, no conflicts (2 of 4 stars). 2 submissions from 2 submitters: Pathogenic (2). Last evaluated 2022-08-16.

Conditions:
Early-infantile DEE. Also called: Ohtahara syndrome; Early infantile epileptic encephalopathy; Early infantile epileptic encephalopathy with suppression bursts. Identifiers: Orphanet 1934, MedGen C0393706, MONDO:0800491.

Submissions (2):

Labcorp Genetics (formerly Invitae), Labcorp
Classification: Pathogenic for Early-infantile DEE. Last evaluated: 2022-08-16. Review status: criteria provided, single submitter. Criteria: Invitae Variant Classification Sherloc (09022015). Collection method: clinical testing. Allele origin: germline.
Comment: This sequence change affects codon 554 of the SCN1A mRNA. It is a 'silent' change, meaning that it does not change the encoded amino acid sequence of the SCN1A protein. This variant also falls at the last nucleotide of exon 10, which is part of the consensus splice site for this exon. For these reasons, this variant has been classified as Pathogenic. Variants that disrupt the consensus splice site are a relatively common cause of aberrant splicing (PMID: 17576681, 9536098). Algorithms developed to predict the effect of sequence changes on RNA splicing suggest that this variant may disrupt the consensus splice site. ClinVar contains an entry for this variant (Variation ID: 206771). This variant has been observed in individual(s) with Dravet syndrome (PMID: 20431604, 30619928). In at least one individual the variant was observed to be de novo. This variant is not present in population databases (gnomAD no frequency).

GeneDx
Classification: Pathogenic. Last evaluated: 2014-06-10. Review status: criteria provided, single submitter. Criteria: GeneDx Variant Classification (06012015). Collection method: clinical testing. Allele origin: germline. Affected: yes.
Comment: c.1662 G>A: p.Gln554Gln (CAG>CAA): c.1662 G>A in exon 10 of the SCN1A gene (NM_001165963.1) The c.1662 G>A mutation in the SCN1A gene has been published previously as a de novo mutation in a patient with Dravet syndrome (Sun et al., 2010). In addition, other mutations abolishing this splice site, including a different nucleotide substitution at the same position (c.1662 G>T), have also been reported in patients with SCN1A-related disorders (Gaily et al., 2013). The c.1662 G>A mutation alters the last nucleotide in exon 10, and multiple in silico models predict that it damages or destroys the natural splice donor site at the exon 10/intron 10 boundary, leading to abnormal splicing. The variant is found in INFANT-EPI, EPILEPSY panel(s).

Literature cited by the submitters: PubMed 17576681 (cited by Labcorp Genetics (formerly Invitae), Labcorp); PubMed 9536098 (cited by Labcorp Genetics (formerly Invitae), Labcorp); PubMed 20431604 (cited by Labcorp Genetics (formerly Invitae), Labcorp); PubMed 30619928 (cited by Labcorp Genetics (formerly Invitae), Labcorp).

NM_001165963.4(SCN1A):c.1662G>A (p.Gln554=)

Gene: SCN1A (sodium voltage-gated channel alpha subunit 1; minus strand). Cytogenetic location: 2q24.3.
Variant type: single nucleotide variant.
Coding change: c.1662G>A on transcript NM_001165963.4 (MANE Select); coding-DNA position 1662, G replaced by A.
Protein change: p.Gln554=; no amino-acid change (glutamine 554 retained).
Molecular consequence: synonymous variant. On other transcripts: 5 prime UTR variant (1), non-coding transcript variant (1).
Genome position (GRCh38, 1-based): chr2:166,045,043, C>T on the plus strand (G>A on the coding strand, the complement: SCN1A is on the minus strand). VCF-style: chr2-166045043-C-T. GRCh37 (hg19) VCF-style: chr2-166901553-C-T.
Other names: p.Q554Q:CAG>CAA; c.1662G>A, p.Gln554= (NM_001165964.3, NM_001202435.3, NM_001353948.2 and 7 more transcripts); c.1659G>A, p.Gln553= (NM_001353954.2, NM_001353955.2, NM_001353960.2); c.-764G>A (NM_001353961.2).
Identifiers: ClinVar variation 206771 (VCV000206771.8), dbSNP rs796052977, ClinGen allele CA317249.